The following is an entry in ClinVar:

NM_000264.5(PTCH1):c.1242C>G (p.Asn414Lys)

Gene: PTCH1 (patched 1; minus strand). Cytogenetic location: 9q22.32.
Variant type: single nucleotide variant.
Coding change: c.1242C>G on transcript NM_000264.5 (MANE Select); coding-DNA position 1242, C replaced by G.
Protein change: p.Asn414Lys; replaces asparagine 414 with lysine.
Molecular consequence: missense variant. On other transcripts: non-coding transcript variant (1).
Genome position (GRCh38, 1-based): chr9:95,478,160, G>C on the plus strand (C>G on the coding strand, the complement: PTCH1 is on the minus strand). VCF-style: chr9-95478160-G-C. GRCh37 (hg19) VCF-style: chr9-98240442-G-C.
Other names: c.789C>G, p.Asn263Lys (NM_001083605.3, NM_001083606.3, NM_001083607.3 and 1 more transcripts); c.1242C>G, p.Asn414Lys (NM_001354918.2); c.1044C>G, p.Asn348Lys (NM_001083602.3); c.1239C>G, p.Asn413Lys (NM_001083603.3); short protein forms N263K, N348K, N413K, N414K.
Identifiers: ClinVar variation 2678083 (VCV002678083.2), dbSNP rs2118338058, ClinGen allele CA374118916.

ClinVar aggregate classification (germline): Uncertain significance. Review status: criteria provided, multiple submitters, no conflicts (2 of 4 stars). 2 submissions from 2 submitters: Uncertain significance (2). Last evaluated 2026-06-05.

Conditions:
Hereditary cancer-predisposing syndrome. Also called: Tumor predisposition; Hereditary neoplastic syndrome; Neoplastic Syndromes, Hereditary; Hereditary Cancer Syndrome. Identifiers: Orphanet 140162, MedGen C0027672, MeSH D009386, MONDO:0015356.
Basal cell carcinoma, susceptibility to, 1. Also called: BCC1. Identifiers: MedGen C2751544, MONDO:0011556, OMIM 605462.

Submissions (2):

Ambry Genetics
Classification: Uncertain significance for Hereditary cancer-predisposing syndrome. Last evaluated: 2026-06-05. Review status: criteria provided, single submitter. Criteria: Ambry Variant Classification Scheme 2023. Collection method: clinical testing. Allele origin: germline.
Comment: The p.N414K variant (also known as c.1242C>G), located in coding exon 9 of the PTCH1 gene, results from a C to G substitution at nucleotide position 1242. The asparagine at codon 414 is replaced by lysine, an amino acid with similar properties. This amino acid position is highly conserved in available vertebrate species. In addition, this alteration is predicted to be tolerated by in silico analysis. Based on the available evidence, the clinical significance of this variant remains unclear.

Baylor Genetics
Classification: Uncertain significance for Basal cell carcinoma, susceptibility to, 1. Last evaluated: 2023-07-12. Review status: criteria provided, single submitter. Criteria: ACMG Guidelines, 2015. Collection method: clinical testing. Allele origin: unknown.